The following is an entry in ClinVar:

NM_001378454.1(ALMS1):c.10130A>C (p.Lys3377Thr)

Gene: ALMS1 (ALMS1 centrosome and basal body associated protein; plus strand). Cytogenetic location: 2p13.1.
Variant type: single nucleotide variant.
Coding change: c.10130A>C on transcript NM_001378454.1 (MANE Select); coding-DNA position 10130, A replaced by C.
Protein change: p.Lys3377Thr; replaces lysine 3377 with threonine.
Molecular consequence: missense variant.
Genome position (GRCh38, 1-based): chr2:73,557,271, A>C. VCF-style: chr2-73557271-A-C. GRCh37 (hg19) VCF-style: chr2-73784398-A-C.
Other names: c.10133A>C, p.Lys3378Thr (NM_015120.4); short protein forms K3377T, K3378T.
Identifiers: ClinVar variation 2169192 (VCV002169192.1), dbSNP rs750953341, ClinGen allele CA347276434.
Genomic context (GRCh38, chr2:73,557,271, plus strand): 5'-TTATTCCAGATGCCTCAGTTCAAGTGCTAATCACTGGGGATGAGAACCTCTCAGACAAAA[A>C]ACAGCAAGAGATTCACAGTACAAGGGCAGTGACTGAGGCTGCCCAGGCTAAAGAAAAAGA-3'
Protein context (NP_001365383.1, residues 3367-3387): ITGDENLSDK[Lys3377Thr]QQEIHSTRAV

ClinVar aggregate classification (germline): Uncertain significance (1 of 4 stars; one submission).

Conditions:
Alstrom syndrome (ALMS). Identifiers: Orphanet 64, MedGen C0268425, MONDO:0008763, OMIM 203800.

gnomAD v4.1: 3 of 1,614,162 alleles (0.00019%); highest among the groups gnomAD compares: African/African-American, 0.0027%; no homozygotes.

Submission:

Labcorp Genetics (formerly Invitae), Labcorp
Classification: Uncertain significance for Alstrom syndrome. Last evaluated: 2022-03-05. Review status: criteria provided, single submitter. Criteria: Invitae Variant Classification Sherloc (09022015). Collection method: clinical testing. Allele origin: germline.
Comment: This sequence change replaces lysine, which is basic and polar, with threonine, which is neutral and polar, at codon 3378 of the ALMS1 protein (p.Lys3378Thr). This variant is not present in population databases (gnomAD no frequency). This variant has not been reported in the literature in individuals affected with ALMS1-related conditions. Experimental studies and prediction algorithms are not available or were not evaluated, and the functional significance of this variant is currently unknown. In summary, the available evidence is currently insufficient to determine the role of this variant in disease. Therefore, it has been classified as a Variant of Uncertain Significance.